The following is an entry in ClinVar:

NM_004656.4(BAP1):c.1861C>A (p.Pro621Thr)

Gene: BAP1 (BRCA1 associated deubiquitinase 1; minus strand). Cytogenetic location: 3p21.1.
Variant type: single nucleotide variant.
Coding change: c.1861C>A on transcript NM_004656.4 (MANE Select); coding-DNA position 1861, C replaced by A.
Protein change: p.Pro621Thr; replaces proline 621 with threonine.
Molecular consequence: missense variant.
Genome position (GRCh38, 1-based): chr3:52,403,167, G>T on the plus strand (C>A on the coding strand, the complement: BAP1 is on the minus strand). VCF-style: chr3-52403167-G-T. GRCh37 (hg19) VCF-style: chr3-52437183-G-T.
Other names: short protein forms P621T.
Identifiers: ClinVar variation 864327 (VCV000864327.16), dbSNP rs866649101, ClinGen allele CA353098088.

ClinVar aggregate classification (germline): Conflicting classifications of pathogenicity. Review status: criteria provided, conflicting classifications (1 of 4 stars). 4 submissions from 4 submitters: Uncertain significance (3); Likely benign (1). Last evaluated 2025-01-17.

Conditions:
BAP1-related tumor predisposition syndrome (TPDS1). Also called: COMMON Syndrome; Tumor susceptibility linked to germline BAP1 mutations; TUMOR PREDISPOSITION SYNDROME 1; BAP1 tumor predisposition syndrome. Identifiers: Orphanet 289539, MedGen C3280492, MONDO:0013692, OMIM 614327.
Hereditary cancer-predisposing syndrome. Also called: Hereditary Cancer Syndrome; Tumor predisposition; Neoplastic Syndromes, Hereditary; Hereditary neoplastic syndrome. Identifiers: Orphanet 140162, MedGen C0027672, MeSH D009386, MONDO:0015356.

Submissions (4):

Ambry Genetics
Classification: Likely benign for Hereditary cancer-predisposing syndrome. Last evaluated: 2025-01-17. Review status: criteria provided, single submitter. Criteria: Ambry Variant Classification Scheme 2023. Collection method: clinical testing. Allele origin: germline.

Labcorp Genetics (formerly Invitae), Labcorp
Classification: Uncertain significance for BAP1-related tumor predisposition syndrome. Last evaluated: 2024-12-04. Review status: criteria provided, single submitter. Criteria: Invitae Variant Classification Sherloc (09022015). Collection method: clinical testing. Allele origin: germline.
Comment: This sequence change replaces proline, which is neutral and non-polar, with threonine, which is neutral and polar, at codon 621 of the BAP1 protein (p.Pro621Thr). This variant is not present in population databases (gnomAD no frequency). This variant has not been reported in the literature in individuals affected with BAP1-related conditions. ClinVar contains an entry for this variant (Variation ID: 864327). Invitae Evidence Modeling of protein sequence and biophysical properties (such as structural, functional, and spatial information, amino acid conservation, physicochemical variation, residue mobility, and thermodynamic stability) indicates that this missense variant is not expected to disrupt BAP1 protein function with a negative predictive value of 80%. In summary, the available evidence is currently insufficient to determine the role of this variant in disease. Therefore, it has been classified as a Variant of Uncertain Significance.

Baylor Genetics
Classification: Uncertain significance for BAP1-related tumor predisposition syndrome. Last evaluated: 2024-01-19. Review status: criteria provided, single submitter. Criteria: ACMG Guidelines, 2015. Collection method: clinical testing. Allele origin: unknown.

GeneDx
Classification: Uncertain significance. Last evaluated: 2019-09-03. Review status: criteria provided, single submitter. Criteria: GeneDx Variant Classification Process June 2021. Collection method: clinical testing. Allele origin: germline. Affected: yes.
Comment: Not observed in large population cohorts (Lek et al., 2016); In silico analysis, which includes protein predictors and evolutionary conservation, supports that this variant does not alter protein structure/function; Has not been previously published as pathogenic or benign to our knowledge